The following is an entry in ClinVar:

ClinVar aggregate classification (germline): Uncertain significance (1 of 4 stars; one submission).

Allele frequency attached by ClinVar (database versions not stated): gnomAD 0.00001; gnomAD exomes 0.00001.
gnomAD v4.1: 8 of 1,614,110 alleles (0.0005%); highest among the groups gnomAD compares: Admixed American, 0.01%; no homozygotes.

Submission:

Labcorp Genetics (formerly Invitae), Labcorp
Classification: Uncertain significance. Last evaluated: 2025-08-13. Review status: criteria provided, single submitter. Criteria: Invitae Variant Classification Sherloc (09022015). Collection method: clinical testing. Allele origin: germline.
Comment: This sequence change replaces lysine, which is basic and polar, with asparagine, which is neutral and polar, at codon 456 of the KLF10 protein (p.Lys456Asn). This variant is present in population databases (no rsID available, gnomAD 0.006%). This variant has not been reported in the literature in individuals affected with KLF10-related conditions. ClinVar contains an entry for this variant (Variation ID: 1398172). An algorithm developed to predict the effect of missense changes on protein structure and function (PolyPhen-2) suggests that this variant is likely to be disruptive. In summary, the available evidence is currently insufficient to determine the role of this variant in disease. Therefore, it has been classified as a Variant of Uncertain Significance.

NM_005655.4(KLF10):c.1368G>C (p.Lys456Asn)

Gene: KLF10 (KLF transcription factor 10; minus strand). Cytogenetic location: 8q22.3.
Variant type: single nucleotide variant.
Coding change: c.1368G>C on transcript NM_005655.4 (MANE Select); coding-DNA position 1368, G replaced by C.
Protein change: p.Lys456Asn; replaces lysine 456 with asparagine.
Molecular consequence: missense variant. On other transcripts: non-coding transcript variant (2).
Genome position (GRCh38, 1-based): chr8:102,650,207, C>G on the plus strand (G>C on the coding strand, the complement: KLF10 is on the minus strand). VCF-style: chr8-102650207-C-G. GRCh37 (hg19) VCF-style: chr8-103662435-C-G.
Other names: c.1335G>C, p.Lys445Asn (NM_001032282.4); short protein forms K445N, K456N.
Identifiers: ClinVar variation 1398172 (VCV001398172.6), dbSNP rs930597625, ClinGen allele CA182539978.
Genomic context (GRCh38, chr8:102,650,207, plus strand): 5'-AGGGGTTGGAGGTAGAGCAATGTCATTTAGCTTGCTCACTTCCATCTGCCAGTTTGGTAG[C>G]TTCTTGGCTGATAGATGGCGCCGGGCATGCTTGGTCAAATGGTCACTCCTCATGAACCGC-3'
Protein context (NP_005646.1, residues 446-466): KHARRHLSAK[Lys456Asn]LPNWQMEVSK